The following is an entry in ClinVar:

ClinVar aggregate classification (germline): Uncertain significance (1 of 4 stars; one submission).

Submission:

Labcorp Genetics (formerly Invitae), Labcorp
Classification: Uncertain significance. Last evaluated: 2024-04-26. Review status: criteria provided, single submitter. Criteria: Invitae Variant Classification Sherloc (09022015). Collection method: clinical testing. Allele origin: germline.
Comment: This sequence change replaces arginine, which is basic and polar, with tryptophan, which is neutral and slightly polar, at codon 259 of the TERF2IP protein (p.Arg259Trp). This variant is present in population databases (rs753135700, gnomAD 0.03%). This variant has not been reported in the literature in individuals affected with TERF2IP-related conditions. An algorithm developed to predict the effect of missense changes on protein structure and function (PolyPhen-2) suggests that this variant is likely to be disruptive. In summary, the available evidence is currently insufficient to determine the role of this variant in disease. Therefore, it has been classified as a Variant of Uncertain Significance.

NM_018975.4(TERF2IP):c.775C>T (p.Arg259Trp)

Gene: TERF2IP (TERF2 interacting protein; plus strand). Cytogenetic location: 16q23.1.
Variant type: single nucleotide variant.
Coding change: c.775C>T on transcript NM_018975.4 (MANE Select); coding-DNA position 775, C replaced by T.
Protein change: p.Arg259Trp; replaces arginine 259 with tryptophan.
Molecular consequence: missense variant. On other transcripts: non-coding transcript variant (1).
Genome position (GRCh38, 1-based): chr16:75,654,377, C>T. VCF-style: chr16-75654377-C-T. GRCh37 (hg19) VCF-style: chr16-75688275-C-T.
Other names: short protein forms R259W.
Identifiers: ClinVar variation 3637114 (VCV003637114.2).